The following is an entry in ClinVar:

ClinVar aggregate classification (germline): Likely pathogenic (1 of 4 stars; one submission).

Conditions:
Focal segmental glomerulosclerosis (FSGS). Also called: Glomerulosclerosis, focal; Focal sclerosis with hyalinosis. Identifiers: MedGen C0017668, MONDO:0100313, HP:0000097. Disease mechanism: loss of function.

Submission:

Molecular Lab, University of Sulaimaniyah
Classification: Likely pathogenic for Focal segmental glomerulosclerosis. Last evaluated: 2026-03-12. Review status: criteria provided, single submitter. Criteria: ACMG Guidelines, 2015. Collection method: clinical testing. Allele origin: germline. Inheritance: Autosomal recessive inheritance. Affected: yes. Observed: 1 variant allele, 1 homozygote.
Comment: This variant was classified using the ACMG/AMP 2015 framework (PMID:25741868). PVS1 was applied because CEP290 c.2523delA is a predicted loss-of-function frameshift variant expected to create a premature termination codon in a recessive ciliopathy-associated gene for which loss of function is an established disease mechanism. The submitted classification reflects this combination of variant type, gene-disease mechanism, and internal observation data. Overall, the weight of evidence supported a Likely pathogenic classification.

NM_025114.4(CEP290):c.2523del (p.Glu842fs)

Gene: CEP290 (centrosomal protein 290; minus strand). Cytogenetic location: 12q21.32.
Variant type: Deletion.
Coding change: c.2523del on transcript NM_025114.4 (MANE Select); coding-DNA position 2523, one base deleted (A; older notation c.2523delA).
Protein change: p.Glu842fs; shifts the reading frame from glutamic acid 842.
Molecular consequence: frameshift variant.
Genome position (GRCh38, 1-based): chr12:88,107,059, T deleted on the plus strand (A on the coding strand, the reverse complement: CEP290 is on the minus strand); the first of 4 consecutive T bases (chr12:88,107,059-88,107,062); deleting any one gives the same sequence. VCF-style (leftmost placement, unchanged base first): chr12-88107058-CT-C. GRCh37 (hg19) VCF-style: chr12-88500835-CT-C.
Other names: c.2523delA (NM_025114.4); short protein forms E842fs.
Identifiers: ClinVar variation 4813871 (VCV004813871.1).